The following is an entry in ClinVar:

NM_133259.4(LRPPRC):c.2806-233A>T

Gene: LRPPRC (leucine rich pentatricopeptide repeat containing; minus strand). Cytogenetic location: 2p21.
Variant type: single nucleotide variant.
Coding change: c.2806-233A>T on transcript NM_133259.4 (MANE Select); 233 bases into the intron before coding-DNA position 2806, A replaced by T.
Molecular consequence: intron variant.
Genome position (GRCh38, 1-based): chr2:43,925,390, T>A on the plus strand (A>T on the coding strand, the complement: LRPPRC is on the minus strand). VCF-style: chr2-43925390-T-A. GRCh37 (hg19) VCF-style: chr2-44152529-T-A.
Identifiers: ClinVar variation 684322 (VCV000684322.1), dbSNP rs78846015, ClinGen allele CA46444387.
Genomic context (GRCh38, chr2:43,925,390, plus strand): 5'-CTGTATACTTATACAAGGTTAAATCATAAATCTTACATTATACTTATTTTACCACAATTT[T>A]AAAAAAATTTGGAGTCAAGAACACAACATGAATAACTAATTCAAAGGTATCTGGGTGGGA-3'

ClinVar aggregate classification (germline): Benign (1 of 4 stars; one submission).

Allele frequency attached by ClinVar (database versions not stated): 1000 Genomes Project 30x 0.06574; 1000 Genomes Project 0.06909; TOPMed 0.08433; gnomAD 0.08815.
gnomAD v4.1: 13,194 of 152,182 alleles (8.7%); highest among the groups gnomAD compares: South Asian, 13%; 644 homozygotes.

Submission:

GeneDx
Classification: Benign. Last evaluated: 2018-06-14. Review status: criteria provided, single submitter. Criteria: GeneDx Variant Classification (06012015). Collection method: clinical testing. Allele origin: germline. Affected: yes.
Comment: This variant is considered likely benign or benign based on one or more of the following criteria: it is a conservative change, it occurs at a poorly conserved position in the protein, it is predicted to be benign by multiple in silico algorithms, and/or has population frequency not consistent with disease.